The following is an entry in ClinVar:

NM_001267550.2(TTN):c.28196T>A (p.Phe9399Tyr)

Gene: TTN (titin; minus strand). Cytogenetic location: 2q31.2.
Variant type: single nucleotide variant.
Coding change: c.28196T>A on transcript NM_001267550.2 (MANE Select); coding-DNA position 28196, T replaced by A.
Protein change: p.Phe9399Tyr; replaces phenylalanine 9399 with tyrosine.
Molecular consequence: missense variant. On other transcripts: intron variant (3).
Genome position (GRCh38, 1-based): chr2:178,710,901, A>T on the plus strand (T>A on the coding strand, the complement: TTN is on the minus strand). VCF-style: chr2-178710901-A-T. GRCh37 (hg19) VCF-style: chr2-179575628-A-T.
Other names: c.27245T>A, p.Phe9082Tyr (NM_001256850.1); c.24464T>A, p.Phe8155Tyr (NM_133378.4); c.13282+27181T>A (NM_003319.4); c.13858+27181T>A (NM_133437.4); c.13657+27181T>A (NM_133432.3); short protein forms F8155Y, F9399Y, F9082Y.
Identifiers: ClinVar variation 192003 (VCV000192003.1), dbSNP rs786205312, ClinGen allele CA238075.
Genomic context (GRCh38, chr2:178,710,901, plus strand): 5'-TGGCACTCAAAGTCAGCACTTTCTCCCACCACAGCATCCACAGGGGCAAGACGGATGTCA[A>T]AGAAGGGTGGGTTCTTCCCCTCTAATAGTAGAGCAGAAAGACAAGGTTTCAGGCTCAATA-3'
Protein context (NP_001254479.2, residues 9389-9409): ILTEGKNPPF[Phe9399Tyr]DIRLAPVDAV

ClinVar aggregate classification (germline): Uncertain significance (1 of 4 stars; one submission).

Submission:

Biesecker Lab/Clinical Genomics Section, National Institutes of Health
Classification: Uncertain significance. Last evaluated: 2013-06-24. Review status: criteria provided, single submitter. Criteria: Ng et al. (Circ Cardiovasc Genet. 2013). Collection method: research. Allele origin: unknown. Observed: 1 variant allele. Study: ClinSeq.
Comment: The study set was not selected for affection status in relation to any cancer. Pathogenicity categories were based on literature curation. See Pubmed ID:23861362 for details.

Medical sequencing